The following is an entry in ClinVar:

ClinVar aggregate classification (germline): Uncertain significance (1 of 4 stars; one submission).

Allele frequency attached by ClinVar (database versions not stated): ExAC 0.00001; gnomAD 0.00001; TOPMed 0.00001.
gnomAD v4.1: 19 of 1,613,276 alleles (0.0012%); highest among the groups gnomAD compares: East Asian, 0.0045%; no homozygotes.

Submission:

Labcorp Genetics (formerly Invitae), Labcorp
Classification: Uncertain significance. Last evaluated: 2024-12-12. Review status: criteria provided, single submitter. Criteria: Invitae Variant Classification Sherloc (09022015). Collection method: clinical testing. Allele origin: germline.
Comment: This sequence change replaces alanine, which is neutral and non-polar, with valine, which is neutral and non-polar, at codon 143 of the TGFB1 protein (p.Ala143Val). This variant is present in population databases (rs774002594, gnomAD 0.004%). This variant has not been reported in the literature in individuals affected with TGFB1-related conditions. ClinVar contains an entry for this variant (Variation ID: 2832621). An algorithm developed to predict the effect of missense changes on protein structure and function (PolyPhen-2) suggests that this variant is likely to be tolerated. In summary, the available evidence is currently insufficient to determine the role of this variant in disease. Therefore, it has been classified as a Variant of Uncertain Significance.

NM_000660.7(TGFB1):c.428C>T (p.Ala143Val)

Gene: TGFB1 (transforming growth factor beta 1; minus strand). Cytogenetic location: 19q13.2.
Variant type: single nucleotide variant.
Coding change: c.428C>T on transcript NM_000660.7 (MANE Select); coding-DNA position 428, C replaced by T.
Protein change: p.Ala143Val; replaces alanine 143 with valine.
Molecular consequence: missense variant.
Genome position (GRCh38, 1-based): chr19:41,348,383, G>A on the plus strand (C>T on the coding strand, the complement: TGFB1 is on the minus strand). VCF-style: chr19-41348383-G-A. GRCh37 (hg19) VCF-style: chr19-41854288-G-A.
Other names: short protein forms A143V.
Identifiers: ClinVar variation 2832621 (VCV002832621.3), dbSNP rs774002594, ClinGen allele CA9460096.
Genomic context (GRCh38, chr19:41,348,383, plus strand): 5'-TTTAACTTGAGCCTCAGCAGACGCAGCTCTGCCCGGGAGAGCAACACGGGTTCAGGTACC[G>A]CTTCTCGGAGCTCTGATGTGTTGAAGAACATATATATGCTGTGTGTACTCTGCTTGAACT-3'
Protein context (NP_000651.3, residues 133-153): MFFNTSELRE[Ala143Val]VPEPVLLSRA